The following is an entry in ClinVar:

ClinVar aggregate classification (germline): Uncertain significance. Review status: criteria provided, multiple submitters, no conflicts (2 of 4 stars). 2 submissions from 2 submitters: Uncertain significance (2). Last evaluated 2025-04-18.

Conditions:
DICER1-related tumor predisposition. Also called: DICER1 syndrome; DICER1-related pleuropulmonary blastoma cancer predisposition syndrome. Identifiers: Orphanet 284343, MedGen C3839822, MONDO:0100216.
Hereditary cancer-predisposing syndrome. Also called: Neoplastic Syndromes, Hereditary; Tumor predisposition; Hereditary neoplastic syndrome; Hereditary Cancer Syndrome. Identifiers: Orphanet 140162, MedGen C0027672, MeSH D009386, MONDO:0015356.

Submissions (2):

Labcorp Genetics (formerly Invitae), Labcorp
Classification: Uncertain significance for DICER1-related tumor predisposition. Last evaluated: 2025-04-18. Review status: criteria provided, single submitter. Criteria: Invitae Variant Classification Sherloc (09022015). Collection method: clinical testing. Allele origin: germline.
Comment: This sequence change replaces glutamic acid, which is acidic and polar, with lysine, which is basic and polar, at codon 1863 of the DICER1 protein (p.Glu1863Lys). This variant is not present in population databases (gnomAD no frequency). This variant has not been reported in the literature in individuals affected with DICER1-related conditions. Invitae Evidence Modeling of protein sequence and biophysical properties (such as structural, functional, and spatial information, amino acid conservation, physicochemical variation, residue mobility, and thermodynamic stability) has been performed for this missense variant. However, the output from this modeling did not meet the statistical confidence thresholds required to predict the impact of this variant on DICER1 protein function. In summary, the available evidence is currently insufficient to determine the role of this variant in disease. Therefore, it has been classified as a Variant of Uncertain Significance.

Ambry Genetics
Classification: Uncertain significance for Hereditary cancer-predisposing syndrome. Last evaluated: 2024-12-22. Review status: criteria provided, single submitter. Criteria: Ambry Variant Classification Scheme 2023. Collection method: clinical testing. Allele origin: germline.
Comment: The p.E1863K variant (also known as c.5587G>A), located in coding exon 25 of the DICER1 gene, results from a G to A substitution at nucleotide position 5587. The glutamic acid at codon 1863 is replaced by lysine, an amino acid with similar properties. This amino acid position is conserved. In addition, this alteration is predicted to be deleterious by in silico analysis. Based on the available evidence, the clinical significance of this variant remains unclear.

NM_177438.3(DICER1):c.5587G>A (p.Glu1863Lys)

Gene: DICER1 (dicer 1, ribonuclease III; minus strand). Cytogenetic location: 14q32.13.
Variant type: single nucleotide variant.
Coding change: c.5587G>A on transcript NM_177438.3 (MANE Select); coding-DNA position 5587, G replaced by A.
Protein change: p.Glu1863Lys; replaces glutamic acid 1863 with lysine.
Molecular consequence: missense variant. On other transcripts: synonymous variant (1), non-coding transcript variant (6).
Genome position (GRCh38, 1-based): chr14:95,091,050, C>T on the plus strand (G>A on the coding strand, the complement: DICER1 is on the minus strand). VCF-style: chr14-95091050-C-T. GRCh37 (hg19) VCF-style: chr14-95557387-C-T.
Other names: c.5424G>A, p.Gln1808= (NM_001195573.1); c.5587G>A, p.Glu1863Lys (NM_001271282.3, NM_001291628.2, NM_001395677.1 and 7 more transcripts); c.5305G>A, p.Glu1769Lys (NM_001395686.1); c.5182G>A, p.Glu1728Lys (NM_001395687.1, NM_001395688.1, NM_001395689.1 and 1 more transcripts); c.5020G>A, p.Glu1674Lys (NM_001395691.1); c.3904G>A, p.Glu1302Lys (NM_001395697.1); short protein forms E1674K, E1728K, E1863K, E1769K, E1302K.
Identifiers: ClinVar variation 3839993 (VCV003839993.2).